The following is an entry in ClinVar:

ClinVar aggregate classification (germline): Likely pathogenic. Review status: criteria provided, multiple submitters, no conflicts (2 of 4 stars). 2 submissions from 2 submitters: Likely pathogenic (2). Last evaluated 2025-10-24.

Conditions:
Citrullinemia type I (CTNL1). Also called: argininosuccinate synthetase deficiency; ASS DEFICIENCY. Identifiers: Orphanet 247525, MedGen C4721769, MONDO:0008988, OMIM 215700.

gnomAD v4.1: 2 of 1,614,222 alleles (0.00012%); highest among the groups gnomAD compares: Non-Finnish European, 0.000085%; no homozygotes.

Submissions (2):

Myriad Genetics, Inc.
Classification: Likely pathogenic for Citrullinemia type I. Last evaluated: 2025-10-24. Review status: criteria provided, single submitter. Criteria: Myriad Autosomal Dominant, Autosomal Recessive and X-Linked Classification Criteria (2023). Collection method: clinical testing. Allele origin: unknown.
Comment: NM_000050.4(ASS1):c.774-1G>A is a variant in a canonical splice site classified as likely pathogenic in the context of citrullinemia type 1. c.774-1G>A has not been observed in cases with relevant disease. Relevant functional assessments of this variant are not available in the literature. c.774-1G>A has not been observed in referenced population frequency databases. In summary, NM_000050.4(ASS1):c.774-1G>A is a variant in a canonical splice site in a gene where loss of function is a known mechanism of disease and is predicted to disrupt protein function. Please note: this variant was assessed in the context of healthy population screening.

Natera, Inc.
Classification: Likely pathogenic for Citrullinemia type I. Last evaluated: 2024-09-22. Review status: criteria provided, single submitter. Criteria: Natera Variant Classification Schema (03/2026). Collection method: clinical testing. Allele origin: germline.
Comment: The c.774-1G>A variant in ASS1 is a canonical splice acceptor site variant predicted to affect pre-mRNA splicing, which may result in an abnormal transcript and altered protein product. This variant is expected to result in nonsense mediated decay, truncation, or a dysfunctional protein product. This variant is rare in the general population with a frequency below the threshold expected for the associated phenotype(s). Given the available evidence, this variant is classified as Likely Pathogenic.

NM_054012.4(ASS1):c.774-1G>A

Gene: ASS1 (argininosuccinate synthase 1; plus strand). Cytogenetic location: 9q34.11.
Variant type: single nucleotide variant.
Coding change: c.774-1G>A on transcript NM_054012.4 (MANE Select); the canonical splice acceptor site of the intron before coding-DNA position 774, G replaced by A.
Molecular consequence: splice acceptor variant.
Genome position (GRCh38, 1-based): chr9:130,480,384, G>A. VCF-style: chr9-130480384-G-A. GRCh37 (hg19) VCF-style: chr9-133355771-G-A.
Other names: c.774-1G>A (NM_000050.4).
Identifiers: ClinVar variation 4818707 (VCV004818707.3).
Genomic context (GRCh38, chr9:130,480,384, plus strand): 5'-GGGTGGGTGACTCTGAGCCTTGCGGTAGCGCCCGAACCTAATGGACCAGTTCTTCCCACA[G>A]GGGCAAGCATGGCGTGGGCCGTATTGACATCGTGGAGAACCGCTTCATTGGAATGAAGTC-3'